The following is an entry in ClinVar:

NM_000091.5(COL4A3):c.1886C>T (p.Thr629Met)

Genes: COL4A3 (collagen type IV alpha 3 chain; plus strand), MFF-DT (MFF divergent transcript; minus strand). Cytogenetic location: 2q36.3.
Variant type: single nucleotide variant.
Coding change: c.1886C>T on transcript NM_000091.5 (MANE Select); coding-DNA position 1886, C replaced by T.
Protein change: p.Thr629Met; replaces threonine 629 with methionine.
Molecular consequence: missense variant.
Genome position (GRCh38, 1-based): chr2:227,273,076, C>T. VCF-style: chr2-227273076-C-T. GRCh37 (hg19) VCF-style: chr2-228137792-C-T.
Other names: short protein forms T629M.
Identifiers: ClinVar variation 452348 (VCV000452348.51), dbSNP rs139361545, ClinGen allele CA2146776.

ClinVar aggregate classification (germline): Conflicting classifications of pathogenicity. Review status: criteria provided, conflicting classifications (1 of 4 stars). 9 submissions from 9 submitters: Uncertain significance (2); Likely benign (5). 2 of the submissions do not count toward it. Last evaluated 2026-01-22.

Conditions:
COL4A3-related disorder. Also called: COL4A3-related condition; COL4A3-Related Disorders.
Inborn genetic diseases. Identifiers: MedGen C0950123, MeSH D030342.
Chronic kidney disease. Identifiers: MedGen C1561643, MONDO:0005300, HP:0012622.
Alport syndrome. Also called: Hemorrhagic familial nephritis; Hemorrhagic hereditary nephritis; Congenital hereditary hematuria. Identifiers: Orphanet 63, MedGen C1567741, MONDO:0018965.

Allele frequency attached by ClinVar (database versions not stated): gnomAD exomes 0.00011 and 0.00025; ExAC 0.00028; 1000 Genomes Project 0.00060; ESP Exome Variant Server 0.00076; 1000 Genomes Project 30x 0.00094; gnomAD 0.00102 and 0.00107; TOPMed 0.00115.
gnomAD v4.1: 326 of 1,613,978 alleles (0.02%); highest among the groups gnomAD compares: African/African-American, 0.37%; 2 homozygotes.

Submissions (9):

Labcorp Genetics (formerly Invitae), Labcorp
Classification: Likely benign. Last evaluated: 2026-01-22. Review status: criteria provided, single submitter. Criteria: Invitae Variant Classification Sherloc (09022015). Collection method: clinical testing. Allele origin: germline.

Ambry Genetics
Classification: Likely benign for Inborn genetic diseases. Last evaluated: 2024-05-30. Review status: criteria provided, single submitter. Criteria: Ambry Variant Classification Scheme 2023. Collection method: clinical testing. Allele origin: germline.

CeGaT Center for Human Genetics Tuebingen
Classification: Likely benign. Last evaluated: 2022-03-01. Review status: criteria provided, single submitter. Criteria: CeGaT Center For Human Genetics Tuebingen Variant Classification Criteria Version 2. Collection method: clinical testing. Allele origin: germline. Affected: yes. Observed: 1 variant allele.
Comment: COL4A3: BS1

GeneDx
Classification: Likely benign. Last evaluated: 2020-11-04. Review status: criteria provided, single submitter. Criteria: GeneDx Variant Classification Process June 2021. Collection method: clinical testing. Allele origin: germline. Affected: yes.

Cavalleri Lab, Royal College of Surgeons in Ireland
Classification: Uncertain significance for Chronic kidney disease. Last evaluated: 2020-05-28. Review status: criteria provided, single submitter. Criteria: ACMG Guidelines, 2015. Collection method: research. Allele origin: unknown. Inheritance: Autosomal dominant inheritance. Affected: yes.
Comment: PP3

Laboratory for Molecular Medicine, Mass General Brigham Personalized Medicine
Classification: Likely benign. Last evaluated: 2020-01-14. Review status: criteria provided, single submitter. Criteria: LMM Criteria. Collection method: clinical testing. Allele origin: germline. Observed: 1 variant allele.
Comment: The p.Thr629Met variant in COL4A3 is classified as likely benign because it has been identified in 0.3% (77/24158) of African chromosomes by gnomAD. Computational prediction tools and conservation analysis suggest that this variant may not impact the protein. ACMG/AMP Criteria applied: BS1, BP4.

Eurofins Ntd Llc (ga)
Classification: Uncertain significance. Last evaluated: 2018-03-27. Review status: criteria provided, single submitter. Criteria: EGL ClinVar v180209 classification definitions. Collection method: clinical testing. Allele origin: germline. Observed: 2 variant alleles, 2 heterozygotes.

PreventionGenetics, part of Exact Sciences
Classification: Likely benign for COL4A3-related condition. Last evaluated: 2023-04-18. Review status: no assertion criteria provided. Collection method: clinical testing. Allele origin: germline. Not counted in ClinVar's aggregate classification.
Comment: This variant is classified as likely benign based on ACMG/AMP sequence variant interpretation guidelines (Richards et al. 2015 PMID: 25741868, with internal and published modifications).

Natera, Inc.
Classification: Uncertain significance for Alport syndrome. Last evaluated: 2020-01-24. Review status: no assertion criteria provided. Collection method: clinical testing. Allele origin: germline. Not counted in ClinVar's aggregate classification.